The following is an entry in ClinVar:

ClinVar aggregate classification (germline): Uncertain significance. Review status: criteria provided, multiple submitters, no conflicts (2 of 4 stars). 2 submissions from 2 submitters: Uncertain significance (2). Last evaluated 2023-12-06.

Conditions:
Duchenne muscular dystrophy (DMD). Also called: Duchenne Muscular Dystrophy (DMD); MUSCULAR DYSTROPHY, PSEUDOHYPERTROPHIC PROGRESSIVE, DUCHENNE TYPE. Identifiers: Orphanet 98896, MedGen C0013264, MONDO:0010679, OMIM 310200.

Submissions (2):

Labcorp Genetics (formerly Invitae), Labcorp
Classification: Uncertain significance for Duchenne muscular dystrophy. Last evaluated: 2023-12-06. Review status: criteria provided, single submitter. Criteria: Invitae Variant Classification Sherloc (09022015). Collection method: clinical testing. Allele origin: germline.
Comment: This variant, c.1049_1051del, results in the deletion of 1 amino acid(s) of the DMD protein (p.Glu350del), but otherwise preserves the integrity of the reading frame. This variant is not present in population databases (gnomAD no frequency). This variant has been observed in individual(s) with DMD-related conditions (PMID: 33188597; Invitae). Experimental studies and prediction algorithms are not available or were not evaluated, and the functional significance of this variant is currently unknown. In summary, the available evidence is currently insufficient to determine the role of this variant in disease. Therefore, it has been classified as a Variant of Uncertain Significance.

Blueprint Genetics
Classification: Uncertain significance. Last evaluated: 2022-05-06. Review status: criteria provided, single submitter. Criteria: ACMG Guidelines, 2015. Collection method: clinical testing. Allele origin: germline.

Literature cited by the submitters: PubMed 33188597 (cited by Labcorp Genetics (formerly Invitae), Labcorp).

NM_004006.3(DMD):c.1046AAG[1] (p.Glu350del)

Gene: DMD (dystrophin; minus strand). Cytogenetic location: Xp21.1.
Variant type: Microsatellite.
Coding change: c.1046AAG[1] on transcript NM_004006.3 (MANE Select); one copy of the 3-base unit AAG starting at c.1046; the reference has two copies in a row; one copy, 3 bases deleted.
Protein change: p.Glu350del; deletes glutamic acid 350.
Molecular consequence: inframe deletion.
Genome position (GRCh38, 1-based): chrX:32,645,062-32,645,064, CTT deleted on the plus strand (AAG on the coding strand, the reverse complement: DMD is on the minus strand); deleting any 3 consecutive bases within chrX:32,645,062-32,645,069 gives the same sequence; the position shown is the placement nearest the transcript's 3' end. VCF-style (leftmost placement, unchanged base first): chrX-32645061-ACTT-A. GRCh37 (hg19) VCF-style: chrX-32663178-ACTT-A.
Other names: c.1022AAG[1], p.Glu342del (NM_000109.4); c.1034AAG[1], p.Glu346del (NM_004009.3); c.677AAG[1], p.Glu227del (NM_004010.3); short protein forms E346del, E227del, E342del, E350del.
Identifiers: ClinVar variation 1497712 (VCV001497712.7), dbSNP rs2146834326, ClinGen allele CA2580616955.